The following is an entry in ClinVar:

ClinVar aggregate classification (germline): Uncertain significance (1 of 4 stars; one submission).

Allele frequency attached by ClinVar (database versions not stated): gnomAD exomes below 0.00001; TOPMed below 0.00001.
gnomAD v4.1: 5 of 1,514,598 alleles (0.00033%); highest among the groups gnomAD compares: Non-Finnish European, 0.00035%; no homozygotes.

Submission:

Labcorp Genetics (formerly Invitae), Labcorp
Classification: Uncertain significance. Last evaluated: 2022-11-22. Review status: criteria provided, single submitter. Criteria: Invitae Variant Classification Sherloc (09022015). Collection method: clinical testing. Allele origin: germline.
Comment: In summary, the available evidence is currently insufficient to determine the role of this variant in disease. Therefore, it has been classified as a Variant of Uncertain Significance. Experimental studies and prediction algorithms are not available or were not evaluated, and the functional significance of this variant is currently unknown. This variant has not been reported in the literature in individuals affected with COL18A1-related conditions. The frequency data for this variant in the population databases is considered unreliable, as metrics indicate poor data quality at this position in the gnomAD database. This sequence change replaces proline, which is neutral and non-polar, with leucine, which is neutral and non-polar, at codon 588 of the COL18A1 protein (p.Pro588Leu).

NM_001379500.1(COL18A1):c.1763C>T (p.Pro588Leu)

Gene: COL18A1 (collagen type XVIII alpha 1 chain; plus strand). Cytogenetic location: 21q22.3.
Variant type: single nucleotide variant.
Coding change: c.1763C>T on transcript NM_001379500.1 (MANE Select); coding-DNA position 1763, C replaced by T.
Protein change: p.Pro588Leu; replaces proline 588 with leucine.
Molecular consequence: missense variant.
Genome position (GRCh38, 1-based): chr21:45,486,922, C>T. VCF-style: chr21-45486922-C-T. GRCh37 (hg19) VCF-style: chr21-46906836-C-T.
Other names: c.2303C>T, p.Pro768Leu (NM_030582.4); c.3008C>T, p.Pro1003Leu (NM_130444.3); short protein forms P1003L, P588L, P768L.
Identifiers: ClinVar variation 1951483 (VCV001951483.3), dbSNP rs1471743337, ClinGen allele CA410496266.